The following is an entry in ClinVar:

ClinVar aggregate classification (germline): Likely benign (1 of 4 stars; one submission).

Submission:

GeneDx
Classification: Likely benign. Last evaluated: 2017-02-21. Review status: criteria provided, single submitter. Criteria: GeneDx Variant Classification (06012015). Collection method: clinical testing. Allele origin: germline. Affected: yes.
Comment: This variant is considered likely benign or benign based on one or more of the following criteria: it is a conservative change, it occurs at a poorly conserved position in the protein, it is predicted to be benign by multiple in silico algorithms, and/or has population frequency not consistent with disease.

NM_000310.4(PPT1):c.362+11T>A

Gene: PPT1 (palmitoyl-protein thioesterase 1; minus strand). Cytogenetic location: 1p34.2.
Variant type: single nucleotide variant.
Coding change: c.362+11T>A on transcript NM_000310.4 (MANE Select); 11 bases into the intron after coding-DNA position 362, T replaced by A.
Molecular consequence: intron variant.
Genome position (GRCh38, 1-based): chr1:40,092,034, A>T on the plus strand (T>A on the coding strand, the complement: PPT1 is on the minus strand). VCF-style: chr1-40092034-A-T. GRCh37 (hg19) VCF-style: chr1-40557706-A-T.
Other names: c.125-2522T>A (NM_001142604.2); c.362+11T>A (NM_001363695.2).
Identifiers: ClinVar variation 507595 (VCV000507595.1), dbSNP rs1553167465, ClinGen allele CA658795431.